The following is an entry in ClinVar:

NM_004859.4(CLTC):c.1522-8G>C

Gene: CLTC (clathrin heavy chain; plus strand). Cytogenetic location: 17q23.1.
Variant type: single nucleotide variant.
Coding change: c.1522-8G>C on transcript NM_004859.4 (MANE Select); 8 bases into the intron before coding-DNA position 1522, G replaced by C.
Molecular consequence: intron variant.
Genome position (GRCh38, 1-based): chr17:59,664,779, G>C. VCF-style: chr17-59664779-G-C. GRCh37 (hg19) VCF-style: chr17-57742140-G-C.
Other names: c.1534-8G>C (NM_001288653.2, NM_001288653.1).
Identifiers: ClinVar variation 1598803 (VCV001598803.11), dbSNP rs377049407, ClinGen allele CA8681241.

ClinVar aggregate classification (germline): Benign/Likely benign. Review status: criteria provided, multiple submitters, no conflicts (2 of 4 stars). 3 submissions from 3 submitters: Benign (1); Likely benign (1). 1 of the submissions does not count toward it. Last evaluated 2025-11-02.

Conditions:
CLTC-related disorder. Also called: CLTC-related condition.

Allele frequency attached by ClinVar (database versions not stated): gnomAD exomes 0.00005 and 0.00026; ExAC 0.00026; 1000 Genomes Project 0.00060; 1000 Genomes Project 30x 0.00062; ESP Exome Variant Server 0.00069; TOPMed 0.00079; gnomAD 0.00085 and 0.00091.
gnomAD v4.1: 202 of 1,613,068 alleles (0.013%); highest among the groups gnomAD compares: African/African-American, 0.25%; no homozygotes.

Submissions (3):

Labcorp Genetics (formerly Invitae), Labcorp
Classification: Benign. Last evaluated: 2025-11-02. Review status: criteria provided, single submitter. Criteria: Invitae Variant Classification Sherloc (09022015). Collection method: clinical testing. Allele origin: germline.

Blueprint Genetics
Classification: Likely benign. Last evaluated: 2021-03-18. Review status: criteria provided, single submitter. Criteria: ACMG Guidelines, 2015. Collection method: clinical testing. Allele origin: germline.

PreventionGenetics, part of Exact Sciences
Classification: Likely benign for CLTC-related condition. Last evaluated: 2019-02-18. Review status: no assertion criteria provided. Collection method: clinical testing. Allele origin: germline. Not counted in ClinVar's aggregate classification.
Comment: This variant is classified as likely benign based on ACMG/AMP sequence variant interpretation guidelines (Richards et al. 2015 PMID: 25741868, with internal and published modifications).